The following is an entry in ClinVar:

ClinVar aggregate classification (germline): Uncertain significance. Review status: reviewed by expert panel (3 of 4 stars). 9 submissions from 9 submitters: Uncertain significance (1). 8 of the submissions do not count toward it. Last evaluated 2026-07-06.

Conditions:
Glycogen storage disease, type II (IOPD). Also called: POMPE DISEASE, INFANTILE-ONSET; GLYCOGEN STORAGE DISEASE II, INFANTILE-ONSET; ACID ALPHA-GLUCOSIDASE DEFICIENCY, INFANTILE-ONSET; GAA DEFICIENCY, INFANTILE-ONSET; ACID MALTASE DEFICIENCY, INFANTILE-ONSET; CARDIOMEGALIA GLYCOGENICA DIFFUSA. Identifiers: Orphanet 365, MedGen C0017921, MONDO:0009290, OMIM 232300.

Allele frequency attached by ClinVar (database versions not stated): 1000 Genomes Project 30x 0.00016; 1000 Genomes Project 0.00020; gnomAD exomes 0.00001; gnomAD 0.00002 and 0.00001; TOPMed below 0.00001; ExAC 0.00002.
gnomAD v4.1: 13 of 1,583,952 alleles (0.00082%); highest among the groups gnomAD compares: South Asian, 0.0081%; no homozygotes.

Submissions (9):

ClinGen Lysosomal Storage Disorder Variant Curation Expert Panel
Classification: Uncertain significance for Glycogen storage disease, type II. Last evaluated: 2026-07-06. Review status: reviewed by expert panel. Criteria: clingen_lsd_acmg_specifications_v2-1. Collection method: curation. Allele origin: germline. Inheritance: Autosomal recessive inheritance.
Comment: The NM_000152.5:c.2174G>A variant in GAA is a missense variant predicted to cause substitution of Arg by Gln at amino acid 725 (p.Arg725Gln). The highest population minor allele frequency in gnomAD v4.1.0. is 0.00008054 (7/86916 alleles) in the South Asian population, which is lower than the ClinGen Lysosomal Diseases VCEP’s threshold for PM2_Supporting (<0.001), meeting this criterion (PM2_Supporting). The computational predictor REVEL gives a score of 0.94 which is above the thresholds predicting a damaging (>0.7) impact on GAA function (PP3). It only has been reported in one case with a positive newborn screening result for GAA-related disease, in which has concurrence of c.664G>A (benign or likely benign) (PMID: 23430949) (insufficient data to apply PP4 or PM3). Another missense variant c.2173C>T (p.Arg725Trp) (PMID: 8401535, 17616415, 19588081, 28648663, 30155607; ClinVar Variation ID: 4024), in the same codon has been classified as pathogenic for Pompe disease by the ClinGen LD VCEP (PM5). There is a ClinVar entry for this variant (Variation ID: 555727). In summary, this variant meets the criteria to be classified as a variant of uncertain significance for Pompe disease based on the GAA-specific ACMG/AMP criteria applied, as specified by the ClinGen Lysosomal Diseases Variant Curation Expert Panel (Specifications Version 2.0): PM2_supporting, PP3, PM5. (Classification approved by the ClinGen Lysosomal Diseases Variant Curation Expert Panel on July 6, 2026).

Genomenon, Inc
Classification: Uncertain significance for Glycogen storage disease, type II. Last evaluated: 2026-07-01. Review status: criteria provided, single submitter. Criteria: Genomenon Sequence Variant Interpretation Standards - Updated. Collection method: curation. Allele origin: germline. Affected: no. Not counted in ClinVar's aggregate classification.
Comment: GAA p.Arg725Gln (c.2174G>A) is a missense variant that changes the amino acid at codon 725 from Arginine to Glutamine. This variant has been reported in the published literature (PMID:23430949;30281819;33560568;33073027). It is absent or not present at a significant frequency in gnomAD. In silico models predict that this variant is possibly or probably damaging. In conclusion, we classify GAA p.Arg725Gln (c.2174G>A) as a variant of uncertain significance.

Labcorp Genetics (formerly Invitae), Labcorp
Classification: Likely pathogenic for Glycogen storage disease, type II. Last evaluated: 2024-05-06. Review status: criteria provided, single submitter. Criteria: Invitae Variant Classification Sherloc (09022015). Collection method: clinical testing. Allele origin: germline. Not counted in ClinVar's aggregate classification.
Comment: This sequence change replaces arginine, which is basic and polar, with glutamine, which is neutral and polar, at codon 725 of the GAA protein (p.Arg725Gln). The frequency data for this variant in the population databases is considered unreliable, as metrics indicate poor data quality at this position in the gnomAD database. This missense change has been observed in individual(s) with a positive newborn screening result for GAA-related disease (PMID: 23430949). ClinVar contains an entry for this variant (Variation ID: 555727). Advanced modeling of protein sequence and biophysical properties (such as structural, functional, and spatial information, amino acid conservation, physicochemical variation, residue mobility, and thermodynamic stability) performed at Invitae indicates that this missense variant is expected to disrupt GAA protein function with a positive predictive value of 95%. This variant disrupts the p.Arg725 amino acid residue in GAA. Other variant(s) that disrupt this residue have been determined to be pathogenic (PMID: 8401535, 17616415, 19588081, 21550241). This suggests that this residue is clinically significant, and that variants that disrupt this residue are likely to be disease-causing. In summary, the currently available evidence indicates that the variant is pathogenic, but additional data are needed to prove that conclusively. Therefore, this variant has been classified as Likely Pathogenic.

Fulgent Genetics
Classification: Likely pathogenic for Glycogen storage disease, type II. Last evaluated: 2024-03-18. Review status: criteria provided, single submitter. Criteria: ACMG Guidelines, 2015. Collection method: clinical testing. Allele origin: germline. Not counted in ClinVar's aggregate classification.

Baylor Genetics
Classification: Likely pathogenic for Glycogen storage disease, type II. Last evaluated: 2024-03-08. Review status: criteria provided, single submitter. Criteria: ACMG Guidelines, 2015. Collection method: clinical testing. Allele origin: unknown. Not counted in ClinVar's aggregate classification.

3billion
Classification: Uncertain significance for Glycogen storage disease, type II. Last evaluated: 2023-06-29. Review status: criteria provided, single submitter. Criteria: ACMG Guidelines, 2015. Collection method: clinical testing. Allele origin: germline. Affected: yes. Not counted in ClinVar's aggregate classification.
Comment: The variant is not observed in the gnomAD v2.1.1 dataset. Predicted Consequence/Location: Missense variant In silico tool predictions suggest damaging effect of the variant on gene or gene product (REVEL: 0.94; 3Cnet: 0.75). Different missense changes at the same codon (p.Arg725Pro, p.Arg725Trp) have been reported as pathogenic/likely pathogenic with strong evidence (ClinVar ID: VCV000004024 /PMID: 18458862, 8401535). Therefore, this variant is classified as VUS according to the recommendation of ACMG/AMP guideline.

Genome-Nilou Lab
Classification: Likely pathogenic for Glycogen storage disease, type II. Last evaluated: 2021-07-22. Review status: criteria provided, single submitter. Criteria: ACMG Guidelines, 2015. Collection method: clinical testing. Allele origin: germline. Affected: no. Not counted in ClinVar's aggregate classification.

Revvity Omics, Revvity
Classification: Uncertain significance. Last evaluated: 2019-06-26. Review status: criteria provided, single submitter. Criteria: ACMG Guidelines, 2015. Collection method: clinical testing. Allele origin: germline. Not counted in ClinVar's aggregate classification.

Counsyl
Classification: Uncertain significance for Glycogen storage disease, type II. Last evaluated: 2017-12-28. Review status: no assertion criteria provided. Collection method: clinical testing. Allele origin: unknown. Not counted in ClinVar's aggregate classification.

Literature cited by the submitters: PubMed 23430949 (cited by 3 submitters); PubMed 30281819 (cited by Genomenon, Inc); PubMed 33560568 (cited by Genomenon, Inc); PubMed 33073027 (cited by Genomenon, Inc); PubMed 8401535 (cited by Labcorp Genetics (formerly Invitae), Labcorp); PubMed 17616415 (cited by Labcorp Genetics (formerly Invitae), Labcorp); PubMed 19588081 (cited by Labcorp Genetics (formerly Invitae), Labcorp); PubMed 21550241 (cited by Labcorp Genetics (formerly Invitae), Labcorp); PubMed 18458862 (cited by 3billion).

NM_000152.5(GAA):c.2174G>A (p.Arg725Gln)

Gene: GAA (alpha glucosidase; plus strand). Cytogenetic location: 17q25.3.
Variant type: single nucleotide variant.
Coding change: c.2174G>A on transcript NM_000152.5 (MANE Select); coding-DNA position 2174, G replaced by A.
Protein change: p.Arg725Gln; replaces arginine 725 with glutamine.
Molecular consequence: missense variant.
Genome position (GRCh38, 1-based): chr17:80,113,351, G>A. VCF-style: chr17-80113351-G-A. GRCh37 (hg19) VCF-style: chr17-78087150-G-A.
Other names: NM_000152.5(GAA):c.2174G>A; p.Arg725Gln; c.2174G>A (LRG_673t1); c.2174G>A, p.Arg725Gln (NM_001079803.3, NM_001079804.3); short protein forms R725Q.
Identifiers: ClinVar variation 555727 (VCV000555727.21), dbSNP rs577042191, ClinGen allele CA8815636.
Genomic context (GRCh38, chr17:80,113,351, plus strand): 5'-TCCTCCCCCACCTCTACACACTGTTCCACCAGGCCCACGTCGCGGGGGAGACCGTGGCCC[G>A]GCCCCTCTTCCTGGAGTGAGTGACCTAGGCAGGGGCGGTGGCCCATGTGTGCCCTGGGGG-3'
Protein context (NP_000143.2, residues 715-735): QAHVAGETVA[Arg725Gln]PLFLEFPKDS